The following is an entry in ClinVar:

NM_152773.5(DYNLT2B):c.328C>T (p.Arg110Cys)

Gene: DYNLT2B (dynein light chain Tctex-type 2B; minus strand). Cytogenetic location: 3q29.
Variant type: single nucleotide variant.
Coding change: c.328C>T on transcript NM_152773.5 (MANE Select); coding-DNA position 328, C replaced by T.
Protein change: p.Arg110Cys; replaces arginine 110 with cysteine.
Molecular consequence: missense variant.
Genome position (GRCh38, 1-based): chr3:196,296,059, G>A on the plus strand (C>T on the coding strand, the complement: DYNLT2B is on the minus strand). VCF-style: chr3-196296059-G-A. GRCh37 (hg19) VCF-style: chr3-196022930-G-A.
Other names: c.328C>T, p.Arg110Cys (NM_001351628.2); short protein forms R110C.
Identifiers: ClinVar variation 774442 (VCV000774442.15), dbSNP rs142927338, ClinGen allele CA2779727.

ClinVar aggregate classification (germline): Likely benign. Review status: criteria provided, multiple submitters, no conflicts (2 of 4 stars). 4 submissions from 4 submitters: Likely benign (3). 1 of the submissions does not count toward it. Last evaluated 2026-01-17.

Conditions:
DYNLT2B-related disorder. Also called: DYNLT2B-related condition.

Allele frequency attached by ClinVar (database versions not stated): 1000 Genomes Project 0.00100; 1000 Genomes Project 30x 0.00125; gnomAD exomes 0.00180 and 0.00281; ExAC 0.00185; gnomAD 0.00220 and 0.00227; ESP Exome Variant Server 0.00223; TOPMed 0.00257.

Submissions (4):

Labcorp Genetics (formerly Invitae), Labcorp
Classification: Likely benign. Last evaluated: 2026-01-17. Review status: criteria provided, single submitter. Criteria: Invitae Variant Classification Sherloc (09022015). Collection method: clinical testing. Allele origin: germline.

CeGaT Center for Human Genetics Tuebingen
Classification: Likely benign. Last evaluated: 2025-12-01. Review status: criteria provided, single submitter. Criteria: CeGaT Center For Human Genetics Tuebingen Variant Classification Criteria Version 2. Collection method: clinical testing. Allele origin: germline. Affected: yes. Observed: 1 variant allele.
Comment: DYNLT2B: BS2

Breakthrough Genomics
Classification: Likely benign. Review status: criteria provided, single submitter. Criteria: ACMG Guidelines, 2015. Collection method: not provided. Allele origin: germline. Inheritance: Autosomal recessive inheritance. Affected: yes.

PreventionGenetics, part of Exact Sciences
Classification: Likely benign for DYNLT2B-related condition. Last evaluated: 2022-11-21. Review status: no assertion criteria provided. Collection method: clinical testing. Allele origin: germline. Not counted in ClinVar's aggregate classification.
Comment: This variant is classified as likely benign based on ACMG/AMP sequence variant interpretation guidelines (Richards et al. 2015 PMID: 25741868, with internal and published modifications).